The following is an entry in ClinVar:

NM_001378120.1(MBD5):c.4414T>C (p.Phe1472Leu)

Gene: MBD5 (methyl-CpG binding domain protein 5; plus strand). Cytogenetic location: 2q23.1.
Variant type: single nucleotide variant.
Coding change: c.4414T>C on transcript NM_001378120.1 (MANE Select); coding-DNA position 4414, T replaced by C.
Protein change: p.Phe1472Leu; replaces phenylalanine 1472 with leucine.
Molecular consequence: missense variant.
Genome position (GRCh38, 1-based): chr2:148,490,046, T>C. VCF-style: chr2-148490046-T-C. GRCh37 (hg19) VCF-style: chr2-149247615-T-C.
Other names: c.3715T>C, p.Phe1239Leu (NM_018328.5); short protein forms F1472L, F1239L.
Identifiers: ClinVar variation 2804268 (VCV002804268.3), dbSNP rs2470026277, ClinGen allele CA348729205.
Genomic context (GRCh38, chr2:148,490,046, plus strand): 5'-CCAGGCCATATCCACAGTAGTCCTTGTCATGAAAGGCCCAACAATGTCTCTACACTGCCA[T>C]TTCTGCCTGGGGAACAGCACCCAATACTGTTACCACCAAGAAACTGTCCAGGGGATAAAA-3'
Protein context (NP_001365049.1, residues 1462-1482): ERPNNVSTLP[Phe1472Leu]LPGEQHPILL

ClinVar aggregate classification (germline): Uncertain significance (1 of 4 stars; one submission).

Conditions:
Intellectual developmental disorder, autosomal dominant 1. Also called: MBD5 Haploinsufficiency; Intellectual disability, autosomal dominant 1. Identifiers: Orphanet 228402, MedGen C1969562, MONDO:0007974, OMIM 156200.

Allele frequency attached by ClinVar (database versions not stated): gnomAD exomes 0.00001.
gnomAD v4.1: 5 of 1,613,970 alleles (0.00031%); highest among the groups gnomAD compares: Non-Finnish European, 0.00042%; no homozygotes.

Submission:

Labcorp Genetics (formerly Invitae), Labcorp
Classification: Uncertain significance for Intellectual developmental disorder, autosomal dominant 1. Last evaluated: 2024-11-05. Review status: criteria provided, single submitter. Criteria: Invitae Variant Classification Sherloc (09022015). Collection method: clinical testing. Allele origin: germline.
Comment: This sequence change replaces phenylalanine, which is neutral and non-polar, with leucine, which is neutral and non-polar, at codon 1239 of the MBD5 protein (p.Phe1239Leu). This variant is not present in population databases (gnomAD no frequency). This variant has not been reported in the literature in individuals affected with MBD5-related conditions. ClinVar contains an entry for this variant (Variation ID: 2804268). An algorithm developed to predict the effect of missense changes on protein structure and function outputs the following: PolyPhen-2: "Not Available". The leucine amino acid residue is found in multiple mammalian species, which suggests that this missense change does not adversely affect protein function. In summary, the available evidence is currently insufficient to determine the role of this variant in disease. Therefore, it has been classified as a Variant of Uncertain Significance.